The following is an entry in ClinVar:

ClinVar aggregate classification (germline): Uncertain significance. Review status: criteria provided, multiple submitters, no conflicts (2 of 4 stars). 2 submissions from 2 submitters: Uncertain significance (2). Last evaluated 2024-03-16.

Conditions:
Inborn genetic diseases. Identifiers: MedGen C0950123, MeSH D030342.

Allele frequency attached by ClinVar (database versions not stated): gnomAD exomes 0.00001; ExAC 0.00002.

Submissions (2):

Ambry Genetics
Classification: Uncertain significance for Inborn genetic diseases. Last evaluated: 2024-03-16. Review status: criteria provided, single submitter. Criteria: Ambry Variant Classification Scheme 2023. Collection method: clinical testing. Allele origin: germline.

Labcorp Genetics (formerly Invitae), Labcorp
Classification: Uncertain significance. Last evaluated: 2021-09-01. Review status: criteria provided, single submitter. Criteria: Invitae Variant Classification Sherloc (09022015). Collection method: clinical testing. Allele origin: germline.
Comment: This sequence change replaces proline with serine at codon 87 of the TRAF3IP1 protein (p.Pro87Ser). The proline residue is moderately conserved and there is a moderate physicochemical difference between proline and serine. This variant is present in population databases (rs763584113, ExAC 0.01%). This variant has not been reported in the literature in individuals affected with TRAF3IP1-related conditions. Algorithms developed to predict the effect of missense changes on protein structure and function output the following: SIFT: "Tolerated"; PolyPhen-2: "Possibly Damaging"; Align-GVGD: "Class C0". The serine amino acid residue is found in multiple mammalian species, which suggests that this missense change does not adversely affect protein function. In summary, the available evidence is currently insufficient to determine the role of this variant in disease. Therefore, it has been classified as a Variant of Uncertain Significance.

NM_015650.4(TRAF3IP1):c.259C>T (p.Pro87Ser)

Gene: TRAF3IP1 (TRAF3 interacting protein 1; plus strand). Cytogenetic location: 2q37.3.
Variant type: single nucleotide variant.
Coding change: c.259C>T on transcript NM_015650.4 (MANE Select); coding-DNA position 259, C replaced by T.
Protein change: p.Pro87Ser; replaces proline 87 with serine.
Molecular consequence: missense variant.
Genome position (GRCh38, 1-based): chr2:238,325,875, C>T. VCF-style: chr2-238325875-C-T. GRCh37 (hg19) VCF-style: chr2-239234516-C-T.
Other names: c.259C>T, p.Pro87Ser (NM_001139490.1); short protein forms P87S.
Identifiers: ClinVar variation 955105 (VCV000955105.7), dbSNP rs763584113, ClinGen allele CA2197996.